The following is an entry in ClinVar:

ClinVar aggregate classification (germline): Uncertain significance (1 of 4 stars; one submission).

Conditions:
Severe combined immunodeficiency due to DNA-PKcs deficiency. Also called: IMMUNODEFICIENCY 26 WITH NEUROLOGIC ABNORMALITIES; Immunodeficiency 26 with or without neurologic abnormalities. Identifiers: Orphanet 317425, MedGen C4014833, MONDO:0014423, OMIM 615966.

gnomAD v4.1: 1 of 1,613,838 alleles (0.000062%); no homozygotes.

Submission:

Labcorp Genetics (formerly Invitae), Labcorp
Classification: Uncertain significance for Severe combined immunodeficiency due to DNA-PKcs deficiency. Last evaluated: 2023-12-28. Review status: criteria provided, single submitter. Criteria: Invitae Variant Classification Sherloc (09022015). Collection method: clinical testing. Allele origin: germline.
Comment: This sequence change replaces methionine, which is neutral and non-polar, with threonine, which is neutral and polar, at codon 3932 of the PRKDC protein (p.Met3932Thr). This variant is not present in population databases (gnomAD no frequency). This variant has not been reported in the literature in individuals affected with PRKDC-related conditions. ClinVar contains an entry for this variant (Variation ID: 1986761). Advanced modeling of protein sequence and biophysical properties (such as structural, functional, and spatial information, amino acid conservation, physicochemical variation, residue mobility, and thermodynamic stability) performed at Invitae indicates that this missense variant is not expected to disrupt PRKDC protein function with a negative predictive value of 80%. In summary, the available evidence is currently insufficient to determine the role of this variant in disease. Therefore, it has been classified as a Variant of Uncertain Significance.

NM_006904.7(PRKDC):c.11795T>C (p.Met3932Thr)

Gene: PRKDC (protein kinase, DNA-activated, catalytic subunit; minus strand). Cytogenetic location: 8q11.21.
Variant type: single nucleotide variant.
Coding change: c.11795T>C on transcript NM_006904.7 (MANE Select); coding-DNA position 11795, T replaced by C.
Protein change: p.Met3932Thr; replaces methionine 3932 with threonine.
Molecular consequence: missense variant.
Genome position (GRCh38, 1-based): chr8:47,778,517, A>G on the plus strand (T>C on the coding strand, the complement: PRKDC is on the minus strand). VCF-style: chr8-47778517-A-G. GRCh37 (hg19) VCF-style: chr8-48691078-A-G.
Other names: c.11702T>C, p.Met3901Thr (NM_001081640.2); short protein forms M3932T, M3901T.
Identifiers: ClinVar variation 1986761 (VCV001986761.4), dbSNP rs2551859884, ClinGen allele CA371128548.